The following is an entry in ClinVar:

NM_170606.3(KMT2C):c.5532T>C (p.Asp1844=)

Gene: KMT2C (lysine methyltransferase 2C; minus strand). Cytogenetic location: 7q36.1.
Variant type: single nucleotide variant.
Coding change: c.5532T>C on transcript NM_170606.3 (MANE Select); coding-DNA position 5532, T replaced by C.
Protein change: p.Asp1844=; no amino-acid change (aspartic acid 1844 retained).
Molecular consequence: synonymous variant.
Genome position (GRCh38, 1-based): chr7:152,182,328, A>G on the plus strand (T>C on the coding strand, the complement: KMT2C is on the minus strand). VCF-style: chr7-152182328-A-G. GRCh37 (hg19) VCF-style: chr7-151879413-A-G.
Other names: c.5532T>C (NM_170606.2).
Identifiers: ClinVar variation 1671078 (VCV001671078.33), dbSNP rs151322246, ClinGen allele CA4580236.
Genomic context (GRCh38, chr7:152,182,328, plus strand): 5'-GATGGGAATCCGGGATGGGGCTGGAGGAGGAGGTGGAGCTTGTGGCTTTACAAACACATC[A>G]TCTGAAGATGTAGACGTAGGGGTACTGGGTGGCTGTTTTGTAAACAGTTCTTTATGGAAT-3'
Protein context (NP_733751.2, residues 1834-1854): PPSTPTSTSS[Asp1844=]DVFVKPQAPP

ClinVar aggregate classification (germline): Benign/Likely benign. Review status: criteria provided, multiple submitters, no conflicts (2 of 4 stars). 3 submissions from 3 submitters: Benign (1); Likely benign (1). 1 of the submissions does not count toward it. Last evaluated 2026-08-01.

Conditions:
KMT2C-related disorder. Also called: KMT2C-related condition; KMT2C-related disorders.

Allele frequency attached by ClinVar (database versions not stated): ESP Exome Variant Server 0.00085; gnomAD 0.00087 and 0.00098; TOPMed 0.00101; 1000 Genomes Project 30x 0.00125; 1000 Genomes Project 0.00140.
gnomAD v4.1: 301 of 1,614,120 alleles (0.019%); highest among the groups gnomAD compares: African/African-American, 0.35%; 1 homozygote.

Submissions (3):

CeGaT Center for Human Genetics Tuebingen
Classification: Likely benign. Last evaluated: 2026-08-01. Review status: criteria provided, single submitter. Criteria: CeGaT Center For Human Genetics Tuebingen Variant Classification Criteria Version 2. Collection method: clinical testing. Allele origin: germline. Affected: yes. Observed: 3 variant alleles.
Comment: KMT2C: BP4, BP7, BS1

Labcorp Genetics (formerly Invitae), Labcorp
Classification: Benign. Last evaluated: 2026-01-09. Review status: criteria provided, single submitter. Criteria: Invitae Variant Classification Sherloc (09022015). Collection method: clinical testing. Allele origin: germline.

PreventionGenetics, part of Exact Sciences
Classification: Likely benign for KMT2C-related condition. Last evaluated: 2024-02-08. Review status: no assertion criteria provided. Collection method: clinical testing. Allele origin: germline. Not counted in ClinVar's aggregate classification.
Comment: This variant is classified as likely benign based on ACMG/AMP sequence variant interpretation guidelines (Richards et al. 2015 PMID: 25741868, with internal and published modifications).